The following is an entry in ClinVar:

NM_000199.5(SGSH):c.537C>T (p.Asp179=)

Gene: SGSH (N-sulfoglucosamine sulfohydrolase; minus strand). Cytogenetic location: 17q25.3.
Variant type: single nucleotide variant.
Coding change: c.537C>T on transcript NM_000199.5 (MANE Select); coding-DNA position 537, C replaced by T.
Protein change: p.Asp179=; no amino-acid change (aspartic acid 179 retained).
Molecular consequence: synonymous variant. On other transcripts: non-coding transcript variant (1).
Genome position (GRCh38, 1-based): chr17:80,214,298, G>A on the plus strand (C>T on the coding strand, the complement: SGSH is on the minus strand). VCF-style: chr17-80214298-G-A. GRCh37 (hg19) VCF-style: chr17-78188097-G-A.
Other names: c.537C>T, p.Asp179= (NM_001352921.3, NM_001352922.2).
Identifiers: ClinVar variation 754305 (VCV000754305.36), dbSNP rs771440037, ClinGen allele CA8817952.

ClinVar aggregate classification (germline): Likely benign. Review status: criteria provided, multiple submitters, no conflicts (2 of 4 stars). 4 submissions from 4 submitters: Likely benign (3). 1 of the submissions does not count toward it. Last evaluated 2026-01-18.

Conditions:
Mucopolysaccharidosis, MPS-III-A (MPS3A). Also called: MUCOPOLYSACCHARIDOSIS, TYPE IIIA, ATTENUATED; Mucopolysaccharidosis, type IIIA; MPS III A; MPS IIIA (Sanfilippo Syndrome Type A); HEPARAN SULFATE SULFATASE DEFICIENCY; SANFILIPPO SYNDROME A. Identifiers: Orphanet 581, Orphanet 79269, MedGen C0086647, MONDO:0009655, OMIM 252900.

Allele frequency attached by ClinVar (database versions not stated): gnomAD 0.00002; gnomAD exomes 0.00002 and 0.00004; ExAC 0.00003; TOPMed 0.00004.

Submissions (4):

Labcorp Genetics (formerly Invitae), Labcorp
Classification: Likely benign for Mucopolysaccharidosis, MPS-III-A. Last evaluated: 2026-01-18. Review status: criteria provided, single submitter. Criteria: Invitae Variant Classification Sherloc (09022015). Collection method: clinical testing. Allele origin: germline.

Blueprint Genetics
Classification: Likely benign. Last evaluated: 2024-08-23. Review status: criteria provided, single submitter. Criteria: ACMG Guidelines, 2015. Collection method: clinical testing. Allele origin: germline.

CeGaT Center for Human Genetics Tuebingen
Classification: Likely benign. Last evaluated: 2022-03-01. Review status: criteria provided, single submitter. Criteria: CeGaT Center For Human Genetics Tuebingen Variant Classification Criteria Version 2. Collection method: clinical testing. Allele origin: germline. Affected: yes. Observed: 1 variant allele.
Comment: SGSH: BP4, BP7

Natera, Inc.
Classification: Uncertain significance for Mucopolysaccharidosis type IIIA. Last evaluated: 2020-03-17. Review status: no assertion criteria provided. Collection method: clinical testing. Allele origin: germline. Not counted in ClinVar's aggregate classification.